The following is an entry in ClinVar:

ClinVar aggregate classification (germline): Likely benign. Review status: criteria provided, multiple submitters, no conflicts (2 of 4 stars). 4 submissions from 4 submitters: Likely benign (4). Last evaluated 2026-01-09.

Conditions:
Ehlers-Danlos syndrome, type 4 (EDSVASC). Also called: Ehlers-Danlos Syndrome Type IV; Ehlers-Danlos syndrome vascular type; Ehlers Danlos syndrome, ecchymotic type; Ehlers Danlos syndrome, arterial type; Ehlers Danlos syndrome, Sack-Barabas type. Identifiers: Orphanet 286, MedGen C0268338, MONDO:0017314, OMIM 130050.

Allele frequency attached by ClinVar (database versions not stated): gnomAD 0.00004 and 0.00008; gnomAD exomes 0.00012 and 0.00017; ExAC 0.00016.
gnomAD v4.1: 187 of 1,613,042 alleles (0.012%); highest among the groups gnomAD compares: South Asian, 0.12%; 2 homozygotes.

Submissions (4):

Labcorp Genetics (formerly Invitae), Labcorp
Classification: Likely benign for Ehlers-Danlos syndrome, type 4. Last evaluated: 2026-01-09. Review status: criteria provided, single submitter. Criteria: Invitae Variant Classification Sherloc (09022015). Collection method: clinical testing. Allele origin: germline.

Women's Health and Genetics/Laboratory Corporation of America, LabCorp
Classification: Likely benign. Last evaluated: 2025-12-22. Review status: criteria provided, single submitter. Criteria: LabCorp Variant Classification Summary - May 2015. Collection method: clinical testing. Allele origin: germline.
Comment: Variant summary: COL3A1 c.3202-17G>A alters a non-conserved nucleotide located at a position not widely known to affect splicing. Consensus agreement among computation tools predict no significant impact on normal splicing. However, these predictions have yet to be confirmed by functional studies. The variant allele was found at a frequency of 0.00017 in 251376 control chromosomes. This frequency is not significantly higher than estimated for disease-causing variants in COL3A1, allowing no conclusion about variant significance. To our knowledge, no occurrence of c.3202-17G>A in individuals affected with COL3A1-related conditions and no experimental evidence demonstrating its impact on protein function have been reported. ClinVar contains an entry for this variant (Variation ID: 381993). Based on the evidence outlined above, the variant was classified as likely benign.

Blueprint Genetics
Classification: Likely benign. Last evaluated: 2024-05-13. Review status: criteria provided, single submitter. Criteria: ACMG Guidelines, 2015. Collection method: clinical testing. Allele origin: germline.

GeneDx
Classification: Likely benign. Last evaluated: 2015-12-04. Review status: criteria provided, single submitter. Criteria: GeneDx Variant Classification (06012015). Collection method: clinical testing. Allele origin: germline. Affected: yes.
Comment: This variant is considered likely benign or benign based on one or more of the following criteria: it is a conservative change, it occurs at a poorly conserved position in the protein, it is predicted to be benign by multiple in silico algorithms, and/or has population frequency not consistent with disease.

NM_000090.4(COL3A1):c.3202-17G>A

Gene: COL3A1 (collagen type III alpha 1 chain; plus strand). Cytogenetic location: 2q32.2.
Variant type: single nucleotide variant.
Coding change: c.3202-17G>A on transcript NM_000090.4 (MANE Select); 17 bases into the intron before coding-DNA position 3202, G replaced by A.
Molecular consequence: intron variant.
Genome position (GRCh38, 1-based): chr2:189,006,920, G>A. VCF-style: chr2-189006920-G-A. GRCh37 (hg19) VCF-style: chr2-189871646-G-A.
Identifiers: ClinVar variation 381993 (VCV000381993.11), dbSNP rs769789431, ClinGen allele CA075921.